The following is an entry in ClinVar:

ClinVar aggregate classification (germline): Benign/Likely benign. Review status: criteria provided, multiple submitters, no conflicts (2 of 4 stars). 12 submissions from 12 submitters: Benign (3); Likely benign (6). 3 of the submissions do not count toward it. Last evaluated 2026-02-03.

Conditions:
NPC1-related disorder. Also called: NPC1-related condition.
Niemann-Pick disease, type C1. Also called: NEUROVISCERAL STORAGE DISEASE WITH VERTICAL SUPRANUCLEAR OPHTHALMOPLEGIA; NIEMANN-PICK DISEASE WITH CHOLESTEROL ESTERIFICATION BLOCK; NIEMANN-PICK DISEASE WITHOUT SPHINGOMYELINASE DEFICIENCY; NIEMANN-PICK DISEASE, CHRONIC NEURONOPATHIC FORM; NIEMANN-PICK DISEASE, VARIANT TYPE C1. Identifiers: Orphanet 646, MedGen C3179455, MONDO:0009757, OMIM 257220.

Allele frequency attached by ClinVar (database versions not stated): gnomAD exomes 0.00071; ExAC 0.00083; gnomAD 0.00265 and 0.00283; TOPMed 0.00305; 1000 Genomes Project 0.00319; ESP Exome Variant Server 0.00323; 1000 Genomes Project 30x 0.00359.
gnomAD v4.1: 804 of 1,613,868 alleles (0.05%); highest among the groups gnomAD compares: African/African-American, 0.94%; 4 homozygotes.

Submissions (12):

Labcorp Genetics (formerly Invitae), Labcorp
Classification: Likely benign for Niemann-Pick disease, type C1. Last evaluated: 2026-02-03. Review status: criteria provided, single submitter. Criteria: Invitae Variant Classification Sherloc (09022015). Collection method: clinical testing. Allele origin: germline.

Mayo Clinic Laboratories, Mayo Clinic
Classification: Likely benign. Last evaluated: 2025-06-30. Review status: criteria provided, single submitter. Criteria: ACMG Guidelines, 2015. Collection method: clinical testing. Allele origin: germline. Observed: 6 variant alleles.
Comment: BS1

PreventionGenetics, part of Exact Sciences
Classification: Benign for NPC1-related condition. Last evaluated: 2024-10-28. Review status: criteria provided, single submitter. Criteria: ACMG Guidelines, 2015. Collection method: clinical testing. Allele origin: germline.
Comment: This variant is classified as benign based on ACMG/AMP sequence variant interpretation guidelines (Richards et al. 2015 PMID: 25741868, with internal and published modifications).

Blueprint Genetics
Classification: Likely benign. Last evaluated: 2024-07-18. Review status: criteria provided, single submitter. Criteria: ACMG Guidelines, 2015. Collection method: clinical testing. Allele origin: germline.

CeGaT Center for Human Genetics Tuebingen
Classification: Likely benign. Last evaluated: 2022-04-01. Review status: criteria provided, single submitter. Criteria: CeGaT Center For Human Genetics Tuebingen Variant Classification Criteria Version 2. Collection method: clinical testing. Allele origin: germline. Affected: yes. Observed: 1 variant allele.
Comment: NPC1: BS1

Fulgent Genetics
Classification: Likely benign for Niemann-Pick disease, type C1. Last evaluated: 2021-12-01. Review status: criteria provided, single submitter. Criteria: ACMG Guidelines, 2015. Collection method: clinical testing. Allele origin: unknown.

GeneDx
Classification: Likely benign. Last evaluated: 2019-10-04. Review status: criteria provided, single submitter. Criteria: GeneDx Variant Classification Process June 2021. Collection method: clinical testing. Allele origin: germline. Affected: yes.
Comment: This variant is associated with the following publications: (PMID: 25764212, 16126423)

Illumina Laboratory Services, Illumina
Classification: Benign for Niemann-Pick disease type C1. Last evaluated: 2017-04-27. Review status: criteria provided, single submitter. Criteria: ICSL Variant Classification Criteria 13 December 2019. Collection method: clinical testing. Allele origin: germline.
Comment: This variant was observed as part of a predisposition screen in an ostensibly healthy population. A literature search was performed for the gene, cDNA change, and amino acid change (where applicable). Publications were found based on this search. The evidence from the literature, in combination with allele frequency data from public databases where available, was sufficient to rule this variant out of causing disease. Therefore, this variant is classified as benign.

Eurofins Ntd Llc (ga)
Classification: Benign. Last evaluated: 2014-12-30. Review status: criteria provided, single submitter. Criteria: EGL Classification Definitions 2015. Collection method: clinical testing. Allele origin: germline. Observed: 1 variant allele, 1 heterozygote.

Natera, Inc.
Classification: Likely benign for Niemann-Pick disease type C1. Last evaluated: 2021-02-26. Review status: no assertion criteria provided. Collection method: clinical testing. Allele origin: germline. Not counted in ClinVar's aggregate classification.

Genome Diagnostics Laboratory, Amsterdam University Medical Center
Classification: Likely benign for Niemann-Pick disease, type C1. Last evaluated: 2017-06-26. Review status: no assertion criteria provided. Criteria: ACGS Guidelines, 2013. Collection method: clinical testing. Allele origin: germline. Affected: yes. Study: VKGL Data-share Consensus. Not counted in ClinVar's aggregate classification.

Diagnostic Laboratory, Department of Genetics, University Medical Center Groningen
Classification: Benign for Niemann-Pick disease, type C1. Review status: no assertion criteria provided. Collection method: clinical testing. Allele origin: germline. Affected: yes. Study: VKGL Data-share Consensus. Not counted in ClinVar's aggregate classification.

Literature cited by the submitters: PubMed 16126423 (cited by Illumina Laboratory Services, Illumina); PubMed 25764212 (cited by Illumina Laboratory Services, Illumina).

NM_000271.5(NPC1):c.1532C>T (p.Thr511Met)

Gene: NPC1 (NPC intracellular cholesterol transporter 1; minus strand). Cytogenetic location: 18q11.2.
Variant type: single nucleotide variant.
Coding change: c.1532C>T on transcript NM_000271.5 (MANE Select); coding-DNA position 1532, C replaced by T.
Protein change: p.Thr511Met; replaces threonine 511 with methionine.
Molecular consequence: missense variant.
Genome position (GRCh38, 1-based): chr18:23,554,779, G>A on the plus strand (C>T on the coding strand, the complement: NPC1 is on the minus strand). VCF-style: chr18-23554779-G-A. GRCh37 (hg19) VCF-style: chr18-21134743-G-A.
Other names: short protein forms T511M.
Identifiers: ClinVar variation 199001 (VCV000199001.51), dbSNP rs13381670, ClinGen allele CA203704.